The following is an entry in ClinVar:

ClinVar aggregate classification (germline): Pathogenic/Likely pathogenic. Review status: criteria provided, multiple submitters, no conflicts (2 of 4 stars). 3 submissions from 3 submitters: Pathogenic (1); Likely pathogenic (2). Last evaluated 2024-05-03.

Conditions:
Charcot-Marie-Tooth disease axonal type 2F (CMT2F). Also called: Charcot-Marie-Tooth Neuropathy Type 2F; CHARCOT-MARIE-TOOTH DISEASE, NEURONAL, TYPE 2F. Identifiers: Orphanet 99940, MedGen C1847823, MONDO:0011687, OMIM 606595.

Submissions (3):

Labcorp Genetics (formerly Invitae), Labcorp
Classification: Likely pathogenic for Charcot-Marie-Tooth disease axonal type 2F. Last evaluated: 2024-05-03. Review status: criteria provided, single submitter. Criteria: Invitae Variant Classification Sherloc (09022015). Collection method: clinical testing. Allele origin: germline.
Comment: This sequence change replaces arginine, which is basic and polar, with glutamine, which is neutral and polar, at codon 136 of the HSPB1 protein (p.Arg136Gln). This variant is not present in population databases (gnomAD no frequency). This variant has not been reported in the literature in individuals affected with HSPB1-related conditions. ClinVar contains an entry for this variant (Variation ID: 810107). Advanced modeling of protein sequence and biophysical properties (such as structural, functional, and spatial information, amino acid conservation, physicochemical variation, residue mobility, and thermodynamic stability) performed at Invitae indicates that this missense variant is expected to disrupt HSPB1 protein function with a positive predictive value of 95%. This variant disrupts the p.Arg136 amino acid residue in HSPB1. Other variant(s) that disrupt this residue have been determined to be pathogenic (PMID: 21611841, 22176143, 25547330, 26989944). This suggests that this residue is clinically significant, and that variants that disrupt this residue are likely to be disease-causing. In summary, the currently available evidence indicates that the variant is pathogenic, but additional data are needed to prove that conclusively. Therefore, this variant has been classified as Likely Pathogenic.

Kariminejad - Najmabadi Pathology & Genetics Center
Classification: Pathogenic for Charcot-Marie-Tooth disease axonal type 2F. Last evaluated: 2023-03-13. Review status: criteria provided, single submitter. Criteria: ACMG Guidelines, 2015. Collection method: clinical testing. Allele origin: germline. Inheritance: Autosomal dominant inheritance. Affected: yes.
Comment: PM1, PM2, PM5-Strong, PP2, PP3, PP5

CeGaT Center for Human Genetics Tuebingen
Classification: Likely pathogenic. Last evaluated: 2019-04-01. Review status: criteria provided, single submitter. Criteria: CeGaT Center For Human Genetics Tuebingen Variant Classification Criteria Version 2. Collection method: clinical testing. Allele origin: germline. Affected: yes. Observed: 1 variant allele.

Literature cited by the submitters: PubMed 21611841 (cited by Labcorp Genetics (formerly Invitae), Labcorp); PubMed 22176143 (cited by Labcorp Genetics (formerly Invitae), Labcorp); PubMed 25547330 (cited by Labcorp Genetics (formerly Invitae), Labcorp); PubMed 26989944 (cited by Labcorp Genetics (formerly Invitae), Labcorp).

NM_001540.5(HSPB1):c.407G>A (p.Arg136Gln)

Gene: HSPB1 (heat shock protein family B (small) member 1; plus strand). Cytogenetic location: 7q11.23.
Variant type: single nucleotide variant.
Coding change: c.407G>A on transcript NM_001540.5 (MANE Select); coding-DNA position 407, G replaced by A.
Protein change: p.Arg136Gln; replaces arginine 136 with glutamine.
Molecular consequence: missense variant.
Genome position (GRCh38, 1-based): chr7:76,303,844, G>A. VCF-style: chr7-76303844-G-A. GRCh37 (hg19) VCF-style: chr7-75933161-G-A.
Other names: short protein forms R136Q.
Identifiers: ClinVar variation 810107 (VCV000810107.47), dbSNP rs863225022, ClinGen allele CA367765485.